The following is an entry in ClinVar:

NM_024422.6(DSC2):c.2215G>T (p.Val739Leu)

Gene: DSC2 (desmocollin 2; minus strand). Cytogenetic location: 18q12.1.
Variant type: single nucleotide variant.
Coding change: c.2215G>T on transcript NM_024422.6 (MANE Select); coding-DNA position 2215, G replaced by T.
Protein change: p.Val739Leu; replaces valine 739 with leucine.
Molecular consequence: missense variant.
Genome position (GRCh38, 1-based): chr18:31,070,761, C>A on the plus strand (G>T on the coding strand, the complement: DSC2 is on the minus strand). VCF-style: chr18-31070761-C-A. GRCh37 (hg19) VCF-style: chr18-28650727-C-A.
Other names: c.2215G>T, p.Val739Leu (NM_004949.5); short protein forms V739L.
Identifiers: ClinVar variation 1036180 (VCV001036180.10), dbSNP rs780610767, ClinGen allele CA402112410.

ClinVar aggregate classification (germline): Uncertain significance. Review status: criteria provided, multiple submitters, no conflicts (2 of 4 stars). 2 submissions from 2 submitters: Uncertain significance (2). Last evaluated 2025-08-04.

Conditions:
Cardiomyopathy (CMYO). Also called: Cardiomyopathies. Identifiers: Orphanet 167848, MedGen C0878544, MONDO:0004994, HP:0001638. Inheritance: Various modes of inheritance.
Arrhythmogenic right ventricular dysplasia 11. Also called: Arrhythmogenic Right Ventricular Dysplasia/Cardiomyopathy11; ARRHYTHMOGENIC RIGHT VENTRICULAR DYSPLASIA, FAMILIAL, 11; Arrhythmogenic right ventricular dysplasia 11 with mild palmoplantar keratoderma and woolly hair. Identifiers: MedGen C1864850, MONDO:0012506, OMIM 610476.

Allele frequency attached by ClinVar (database versions not stated): gnomAD 0.00001; TOPMed below 0.00001.
gnomAD v4.1: 1 of 1,613,800 alleles (0.000062%); highest among the groups gnomAD compares: Non-Finnish European, 0.000085%; no homozygotes.

Submissions (2):

Color Diagnostics, LLC DBA Color Health
Classification: Uncertain significance for Cardiomyopathy. Last evaluated: 2025-08-04. Review status: criteria provided, single submitter. Criteria: ACMG Guidelines, 2015. Collection method: clinical testing. Allele origin: germline.
Comment: This missense variant replaces valine with leucine at codon 739 of the DSC2 protein. Computational prediction suggests that this variant may not impact protein structure and function. To our knowledge, functional studies have not been reported for this variant. This variant has been reported in an individual affected with cardiomyopathy or arrhythmia (PMID: 35947370). This variant has not been identified in the general population by the Genome Aggregation Database (gnomAD). The available evidence is insufficient to determine the role of this variant in disease conclusively. Therefore, this variant is classified as a Variant of Uncertain Significance.

Labcorp Genetics (formerly Invitae), Labcorp
Classification: Uncertain significance for Arrhythmogenic right ventricular dysplasia 11. Last evaluated: 2022-07-19. Review status: criteria provided, single submitter. Criteria: Invitae Variant Classification Sherloc (09022015). Collection method: clinical testing. Allele origin: germline.
Comment: This variant has not been reported in the literature in individuals affected with DSC2-related conditions. This variant is not present in population databases (gnomAD no frequency). This sequence change replaces valine, which is neutral and non-polar, with leucine, which is neutral and non-polar, at codon 739 of the DSC2 protein (p.Val739Leu). ClinVar contains an entry for this variant (Variation ID: 1036180). In summary, the available evidence is currently insufficient to determine the role of this variant in disease. Therefore, it has been classified as a Variant of Uncertain Significance. Algorithms developed to predict the effect of missense changes on protein structure and function (SIFT, PolyPhen-2, Align-GVGD) all suggest that this variant is likely to be tolerated.

Literature cited by the submitters: PubMed 35947370 (cited by Color Diagnostics, LLC DBA Color Health).